The following is an entry in ClinVar:

NC_000015.10:g.89290215del

Gene: FANCI (FA complementation group I; plus strand). Cytogenetic location: 15q26.1.
Variant type: Deletion.
Genome position: GRCh38 VCF-style: chr15-89290211-AG-A. GRCh37 (hg19) VCF-style: chr15-89833442-AG-A.
Identifiers: ClinVar variation 3643739 (VCV003643739.2).

ClinVar aggregate classification (germline): Pathogenic (1 of 4 stars; one submission).

Conditions:
Fanconi anemia (FA). Also called: Fanconi's anemia. Identifiers: Orphanet 84, MedGen C0015625, MeSH D005199, MONDO:0019391.

Submission:

Labcorp Genetics (formerly Invitae), Labcorp
Classification: Pathogenic for Fanconi anemia. Last evaluated: 2024-02-29. Review status: criteria provided, single submitter. Criteria: Invitae Variant Classification Sherloc (09022015). Collection method: clinical testing. Allele origin: germline.
Comment: This sequence change creates a premature translational stop signal (p.Tyr610Metfs*22) in the FANCI gene. It is expected to result in an absent or disrupted protein product. Loss-of-function variants in FANCI are known to be pathogenic (PMID: 17452773, 17460694). This variant is not present in population databases (gnomAD no frequency). This variant has not been reported in the literature in individuals affected with FANCI-related conditions. Algorithms developed to predict the effect of sequence changes on RNA splicing suggest that this variant may disrupt the consensus splice site. For these reasons, this variant has been classified as Pathogenic.

Literature cited by the submitters: PubMed 17452773; PubMed 17460694.